The following is an entry in ClinVar:

ClinVar aggregate classification (germline): Uncertain significance. Review status: criteria provided, multiple submitters, no conflicts (2 of 4 stars). 3 submissions from 3 submitters: Uncertain significance (3). Last evaluated 2024-08-06.

Conditions:
Inborn genetic diseases. Identifiers: MedGen C0950123, MeSH D030342.
Peroxisome biogenesis disorder 2B (PBD2B). Identifiers: Orphanet 44, MedGen C3550234, MONDO:0008736, OMIM 202370.

Allele frequency attached by ClinVar (database versions not stated): TOPMed 0.00001; gnomAD 0.00001.
gnomAD v4.1: 43 of 1,613,146 alleles (0.0027%); highest among the groups gnomAD compares: Non-Finnish European, 0.0029%; no homozygotes.

Submissions (3):

Ambry Genetics
Classification: Uncertain significance for Inborn genetic diseases. Last evaluated: 2024-08-06. Review status: criteria provided, single submitter. Criteria: Ambry Variant Classification Scheme 2023. Collection method: clinical testing. Allele origin: germline.

Labcorp Genetics (formerly Invitae), Labcorp
Classification: Uncertain significance for Peroxisome biogenesis disorder 2B. Last evaluated: 2022-06-30. Review status: criteria provided, single submitter. Criteria: Invitae Variant Classification Sherloc (09022015). Collection method: clinical testing. Allele origin: germline.
Comment: This sequence change replaces arginine, which is basic and polar, with tryptophan, which is neutral and slightly polar, at codon 431 of the PEX5 protein (p.Arg431Trp). This variant is present in population databases (rs765682048, gnomAD 0.008%). This variant has not been reported in the literature in individuals affected with PEX5-related conditions. ClinVar contains an entry for this variant (Variation ID: 287504). Algorithms developed to predict the effect of missense changes on protein structure and function are either unavailable or do not agree on the potential impact of this missense change (SIFT: "Deleterious"; PolyPhen-2: "Possibly Damaging"; Align-GVGD: "Class C0"). In summary, the available evidence is currently insufficient to determine the role of this variant in disease. Therefore, it has been classified as a Variant of Uncertain Significance.

Eurofins Ntd Llc (ga)
Classification: Uncertain significance. Last evaluated: 2016-04-13. Review status: criteria provided, single submitter. Criteria: EGL Classification Definitions 2015. Collection method: clinical testing. Allele origin: germline. Observed: 1 variant allele, 1 heterozygote.

NM_001351132.2(PEX5):c.1291C>T (p.Arg431Trp)

Gene: PEX5 (peroxisomal biogenesis factor 5; plus strand). Cytogenetic location: 12p13.31.
Variant type: single nucleotide variant.
Coding change: c.1291C>T on transcript NM_001351132.2 (MANE Select); coding-DNA position 1291, C replaced by T.
Protein change: p.Arg431Trp; replaces arginine 431 with tryptophan.
Molecular consequence: missense variant.
Genome position (GRCh38, 1-based): chr12:7,208,566, C>T. VCF-style: chr12-7208566-C-T. GRCh37 (hg19) VCF-style: chr12-7361162-C-T.
Other names: c.1267C>T, p.Arg423Trp (NM_000319.5); c.1336C>T, p.Arg446Trp (NM_001131023.2); c.1180C>T, p.Arg394Trp (NM_001131024.2, NM_001351124.3, NM_001351126.2 and 7 more transcripts); c.1291C>T, p.Arg431Trp (NM_001131025.2, NM_001131026.2, NM_001300789.3 and 4 more transcripts); c.1225C>T, p.Arg409Trp (NM_001351135.3, NM_001351138.2); c.1282C>T, p.Arg428Trp (NM_001351136.2); c.1156C>T, p.Arg386Trp (NM_001351139.2, NM_001351140.2, NM_001374649.2); c.1291C>T (NM_001131025.1); short protein forms R431W, R423W, R386W, R394W, R409W, R428W, R446W.
Identifiers: ClinVar variation 287504 (VCV000287504.10), dbSNP rs765682048, ClinGen allele CA6426418.